The following is an entry in ClinVar:

NC_000001.10:g.(?_237205483)_(237205870_237433796)del

Gene: RYR2 (ryanodine receptor 2; plus strand). Cytogenetic location: 1q43.
Variant type: Deletion.
Identifiers: ClinVar variation 3895741 (VCV003895741.1).

ClinVar aggregate classification (germline): Uncertain significance (1 of 4 stars; one submission).

Submission:

Women's Health and Genetics/Laboratory Corporation of America, LabCorp
Classification: Uncertain significance. Last evaluated: 2025-03-10. Review status: criteria provided, single submitter. Criteria: LabCorp Variant Classification Summary - May 2015. Collection method: clinical testing. Allele origin: germline.
Comment: Variant summary: The variant involves the deletion of exon 1 in the RYR2 gene. A presumed nomenclature of c.(?_-339)_(48+1_49-1)del has been designated for the purposes of this classification. The exact breakpoint at the 5' end of this variant is unknown, therefore this deletion may extend upstream of the annotated region of this gene. Although the exact breakpoints of this deletion are not known, it is predicted to remove the initiation codon and result in an absence of protein or a truncation of the encoded protein due to translation initiation at a downstream site. However, current evidence is not sufficient to establish loss of function as a mechanism for disease. The variant was absent in 21694 control chromosomes. The available data on variant occurrences in the general population are insufficient to allow any conclusion about variant significance. To our knowledge, no occurrence of c.(?_-339)_(48+1_49-1)del in individuals affected with Catecholaminergic Polymorphic Ventricular Tachycardia and no experimental evidence demonstrating its impact on protein function have been reported. ClinVar contains an entry for this variant (Variation ID: 1014736). Based on the evidence outlined above, the variant was classified as uncertain significance.